The following is an entry in ClinVar:

NM_201384.3(PLEC):c.7830G>T (p.Ala2610=)

Gene: PLEC (plectin; minus strand). Cytogenetic location: 8q24.3.
Variant type: single nucleotide variant.
Coding change: c.7830G>T on transcript NM_201384.3 (MANE Select); coding-DNA position 7830, G replaced by T.
Protein change: p.Ala2610=; no amino-acid change (alanine 2610 retained).
Molecular consequence: synonymous variant.
Genome position (GRCh38, 1-based): chr8:143,921,991, C>A on the plus strand (G>T on the coding strand, the complement: PLEC is on the minus strand). VCF-style: chr8-143921991-C-A. GRCh37 (hg19) VCF-style: chr8-144996159-C-A.
Other names: c.7911G>T, p.Ala2637= (NM_000445.5); c.7788G>T, p.Ala2596= (NM_201378.4); c.7764G>T, p.Ala2588= (NM_201379.3); c.8241G>T, p.Ala2747= (NM_201380.4); c.7734G>T, p.Ala2578= (NM_201381.3); c.7830G>T, p.Ala2610= (NM_201382.4); c.7842G>T, p.Ala2614= (NM_201383.3).
Identifiers: ClinVar variation 471653 (VCV000471653.8), dbSNP rs376112916, ClinGen allele CA463533327.

ClinVar aggregate classification (germline): Likely benign. Review status: criteria provided, multiple submitters, no conflicts (2 of 4 stars). 2 submissions from 2 submitters: Likely benign (2). Last evaluated 2026-07-01.

Conditions:
Epidermolysis bullosa simplex 5C, with pyloric atresia (EBS5C). Also called: PLEC-Related Epidermolysis Bullosa with Pyloric Atresia; PLEC1-Related Epidermolysis Bullosa with Pyloric Atresia; Epidermolysis bullosa simplex with pyloric atresia. Identifiers: Orphanet 158684, MedGen C2677349, MONDO:0012807, OMIM 612138.
Autosomal recessive limb-girdle muscular dystrophy type 2Q (LGMDR17). Also called: MUSCULAR DYSTROPHY, LIMB-GIRDLE, AUTOSOMAL RECESSIVE 17. Identifiers: Orphanet 254361, MedGen C3150989, MONDO:0013390, OMIM 613723.
Epidermolysis bullosa simplex with nail dystrophy (EBS5D). Identifiers: MedGen C4225309, MONDO:0014661, OMIM 616487.
Epidermolysis bullosa simplex, Ogna type (EBS5A). Also called: Pidermolysis bullosa simplex 5A, Ogna type; EPIDERMOLYSIS BULLOSA SIMPLEX 5A, OGNA TYPE. Identifiers: Orphanet 79401, MedGen C0432317, MONDO:0007555, OMIM 131950.
Epidermolysis bullosa simplex 5B, with muscular dystrophy (EBS5B). Also called: EPIDERMOLYSIS BULLOSA SIMPLEX AND LIMB-GIRDLE MUSCULAR DYSTROPHY; Epidermolysis bullosa simplex with muscular dystrophy. Identifiers: Orphanet 257, MedGen C2931072, MONDO:0009181, OMIM 226670.

Allele frequency attached by ClinVar (database versions not stated): TOPMed 0.00004.
gnomAD v4.1: 35 of 1,598,378 alleles (0.0022%); highest among the groups gnomAD compares: Non-Finnish European, 0.0027%; no homozygotes.

Submissions (2):

CeGaT Center for Human Genetics Tuebingen
Classification: Likely benign. Last evaluated: 2026-07-01. Review status: criteria provided, single submitter. Criteria: CeGaT Center For Human Genetics Tuebingen Variant Classification Criteria Version 2. Collection method: clinical testing. Allele origin: germline. Affected: yes. Observed: 1 variant allele.
Comment: PLEC: BP4, BP7

Labcorp Genetics (formerly Invitae), Labcorp
Classification: Likely benign for Autosomal recessive limb-girdle muscular dystrophy type 2Q; Epidermolysis bullosa simplex, Ogna type; Epidermolysis bullosa simplex with nail dystrophy; Epidermolysis bullosa simplex 5C, with pyloric atresia; Epidermolysis bullosa simplex 5B, with muscular dystrophy. Last evaluated: 2025-05-08. Review status: criteria provided, single submitter. Criteria: Invitae Variant Classification Sherloc (09022015). Collection method: clinical testing. Allele origin: germline.